The following is an entry in ClinVar:

ClinVar aggregate classification (germline): Likely benign (1 of 4 stars; one submission).

Submission:

Women's Health and Genetics/Laboratory Corporation of America, LabCorp
Classification: Likely benign. Last evaluated: 2026-03-27. Review status: criteria provided, single submitter. Criteria: LabCorp Variant Classification Summary - May 2015. Collection method: clinical testing. Allele origin: germline.
Comment: Variant summary: CLPB c.456-14_456-13delCT alters a nucleotide located at a position not widely known to affect splicing. Consensus agreement among computation tools predict no significant impact on normal splicing. However, these predictions have yet to be confirmed by functional studies. The variant allele was found at a frequency of 4e-06 in 251232 control chromosomes. The available data on variant occurrences in the general population are insufficient to allow any conclusion about variant significance. To our knowledge, no occurrence of c.456-14_456-13delCT in individuals affected with CLPB-related conditions and no experimental evidence demonstrating its impact on protein function have been reported. No submitters have cited clinical-significance assessments for this variant to ClinVar. Based on the evidence outlined above, the variant was classified as likely benign.

NM_001258392.3(CLPB):c.456-14_456-13del

Gene: CLPB (ClpB family mitochondrial disaggregase; minus strand). Cytogenetic location: 11q13.4.
Variant type: Microsatellite.
Coding change: c.456-14_456-13del on transcript NM_001258392.3 (MANE Select); 14 bases into the intron before coding-DNA position 456 through 13 bases into the intron before coding-DNA position 456, 2 bases deleted (CT; older notation c.456-14_456-13delCT).
Molecular consequence: intron variant.
Genome position (GRCh38, 1-based): chr11:72,403,065-72,403,066, AG deleted on the plus strand (CT on the coding strand, the reverse complement: CLPB is on the minus strand); deleting any 2 consecutive bases within chr11:72,403,065-72,403,068 gives the same sequence; the c. name uses the placement nearest the transcript's 3' end. VCF-style (leftmost placement, unchanged base first): chr11-72403064-CAG-C. GRCh37 (hg19) VCF-style: chr11-72114108-CAG-C.
Other names: c.456-14_456-13delCT (NM_030813.6); c.456-22682_456-22681del (NM_001258393.3); c.456-14_456-13del (NM_030813.6); c.321-14_321-13del (NM_001258394.3).
Identifiers: ClinVar variation 4847630 (VCV004847630.1).
Genomic context (GRCh38, chr11:72,403,064, plus strand): 5'-CCAGCCAAGTCTGTGCTTTGCATTGACATCTGCACCTTCTGACAACAGCCTAAAACAAGA[CAG>C]AGGAATATTTTCAGTGTATGGCTTGACATCTGCACCTTCTGACAACAGCCTAAAACAAGA-3'